The following is an entry in ClinVar:

ClinVar aggregate classification (germline): Benign (1 of 4 stars; one submission).

Conditions:
Lynch syndrome 5 (LYNCH5). Also called: Colorectal cancer, hereditary nonpolyposis, type 5; Hereditary non-polyposis colorectal cancer, type 5. Identifiers: Orphanet 144, MedGen C1833477, MONDO:0013710, OMIM 614350. Disease mechanism: loss of function.

Submission:

Myriad Genetics, Inc.
Classification: Benign for Lynch syndrome 5. Last evaluated: 2025-01-08. Review status: criteria provided, single submitter. Criteria: Myriad Autosomal Dominant, Autosomal Recessive and X-Linked Classification Criteria (2023). Collection method: clinical testing. Allele origin: unknown.
Comment: This variant is considered benign. This variant is a silent/synonymous amino acid change and it is not expected to impact splicing.

NM_000179.3(MSH6):c.3870T>A (p.Ile1290=)

Gene: MSH6 (mutS homolog 6; plus strand). Cytogenetic location: 2p16.3.
Variant type: single nucleotide variant.
Coding change: c.3870T>A on transcript NM_000179.3 (MANE Select); coding-DNA position 3870, T replaced by A.
Protein change: p.Ile1290=; no amino-acid change (isoleucine 1290 retained).
Molecular consequence: synonymous variant. On other transcripts: nonsense (1), non-coding transcript variant (5), intron variant (1).
Genome position (GRCh38, 1-based): chr2:47,806,520, T>A. VCF-style: chr2-47806520-T-A. GRCh37 (hg19) VCF-style: chr2-48033659-T-A.
Other names: c.3480T>A, p.Ile1160= (NM_001281492.2); c.2964T>A, p.Ile988= (NM_001281493.2, NM_001281494.2, NM_001406811.1 and 6 more transcripts); c.3966T>A, p.Ile1322= (NM_001406795.1); c.3870T>A, p.Ile1290= (NM_001406796.1, NM_001406808.1, NM_001406809.1); c.3573T>A, p.Ile1191= (NM_001406797.1, NM_001406801.1, NM_001406805.1 and 10 more transcripts); c.3696T>A, p.Ile1232= (NM_001406798.1); c.3345T>A, p.Ile1115= (NM_001406799.1, NM_001406806.1, NM_001406807.1); c.3857T>A, p.Leu1286Ter (NM_001406800.1); and 9 more; short protein forms L1286*.
Identifiers: ClinVar variation 3904343 (VCV003904343.1).